The following is an entry in ClinVar:

NM_000426.4(LAMA2):c.3108C>T (p.Thr1036=)

Gene: LAMA2 (laminin subunit alpha 2; plus strand). Cytogenetic location: 6q22.33.
Variant type: single nucleotide variant.
Coding change: c.3108C>T on transcript NM_000426.4 (MANE Select); coding-DNA position 3108, C replaced by T.
Protein change: p.Thr1036=; no amino-acid change (threonine 1036 retained).
Molecular consequence: synonymous variant.
Genome position (GRCh38, 1-based): chr6:129,300,806, C>T. VCF-style: chr6-129300806-C-T. GRCh37 (hg19) VCF-style: chr6-129621951-C-T.
Other names: c.3108C>T, p.Thr1036= (NM_001079823.2).
Identifiers: ClinVar variation 2743914 (VCV002743914.24), dbSNP rs2482348676, ClinGen allele CA451936423.

ClinVar aggregate classification (germline): Likely benign. Review status: criteria provided, multiple submitters, no conflicts (2 of 4 stars). 2 submissions from 2 submitters: Likely benign (2). Last evaluated 2024-03-01.

Conditions:
LAMA2-related muscular dystrophy (LAMA2-RD). Also called: Laminin alpha 2-related dystrophy. Identifiers: MedGen C5679788, MONDO:0100228.

Submissions (2):

CeGaT Center for Human Genetics Tuebingen
Classification: Likely benign. Last evaluated: 2024-03-01. Review status: criteria provided, single submitter. Criteria: CeGaT Center For Human Genetics Tuebingen Variant Classification Criteria Version 2. Collection method: clinical testing. Allele origin: germline. Affected: yes. Observed: 1 variant allele.
Comment: LAMA2: PM2:Supporting, BP4, BP7

Labcorp Genetics (formerly Invitae), Labcorp
Classification: Likely benign for LAMA2-related muscular dystrophy. Last evaluated: 2023-07-16. Review status: criteria provided, single submitter. Criteria: Invitae Variant Classification Sherloc (09022015). Collection method: clinical testing. Allele origin: germline.